The following is an entry in ClinVar:

ClinVar aggregate classification (germline): Uncertain significance (1 of 4 stars; one submission).

Conditions:
Hereditary cancer-predisposing syndrome. Also called: Neoplastic Syndromes, Hereditary; Hereditary Cancer Syndrome; Hereditary neoplastic syndrome; Tumor predisposition. Identifiers: Orphanet 140162, MedGen C0027672, MeSH D009386, MONDO:0015356.

Submission:

Ambry Genetics
Classification: Uncertain significance for Hereditary cancer-predisposing syndrome. Last evaluated: 2016-02-14. Review status: criteria provided, single submitter. Criteria: Ambry Variant Classification Scheme 2023. Collection method: clinical testing. Allele origin: germline.
Comment: The p.F884L variant (also known as c.2652T>G), located in coding exon 18 of the BRIP1 gene, results from a T to G substitution at nucleotide position 2652. The phenylalanine at codon 884 is replaced by leucine, an amino acid with highly similar properties. This variant was not reported in population based cohorts in the following databases: Database of Single Nucleotide Polymorphisms (dbSNP), NHLBI Exome Sequencing Project (ESP), and 1000 Genomes Project. In the ESP, this variant was not observed in 6503 samples (13006 alleles) with coverage at this position. To date, this alteration has been detected with an allele frequency of approximately 0.001% (greater than 120000 alleles tested) in our clinical cohort. This amino acid position is highly conserved in available vertebrate species. In addition, this alteration is predicted to be probably damaging and deleterious by PolyPhen and SIFT in silico Since supporting evidence is limited at this time, the clinical significance of this alteration remains unclear.analyses, respectively.

NM_032043.3(BRIP1):c.2652T>G (p.Phe884Leu)

Gene: BRIP1 (BRCA1 interacting DNA helicase 1; minus strand). Cytogenetic location: 17q23.2.
Variant type: single nucleotide variant.
Coding change: c.2652T>G on transcript NM_032043.3 (MANE Select); coding-DNA position 2652, T replaced by G.
Protein change: p.Phe884Leu; replaces phenylalanine 884 with leucine.
Molecular consequence: missense variant.
Genome position (GRCh38, 1-based): chr17:61,686,089, A>C on the plus strand (T>G on the coding strand, the complement: BRIP1 is on the minus strand). VCF-style: chr17-61686089-A-C. GRCh37 (hg19) VCF-style: chr17-59763450-A-C.
Other names: short protein forms F884L.
Identifiers: ClinVar variation 479417 (VCV000479417.4), dbSNP rs1555573451, ClinGen allele CA400481857.
Genomic context (GRCh38, chr17:61,686,089, plus strand): 5'-GTCCTGTATATTGGTTCTGTCCTTTATGGATACATTAAGAACTTTTTGATGCTTTTTGGA[A>C]AATTCAGCCAAGGATTCCAGTGCACTTTCAAAGGTTGAATGGTGCTGAATCTGCTGCCGT-3'
Protein context (NP_114432.2, residues 874-894): FESALESLAE[Phe884Leu]SKKHQKVLNV